The following is an entry in ClinVar:

NM_000302.4(PLOD1):c.1482G>C (p.Met494Ile)

Gene: PLOD1 (procollagen-lysine,2-oxoglutarate 5-dioxygenase 1; plus strand). Cytogenetic location: 1p36.22.
Variant type: single nucleotide variant.
Coding change: c.1482G>C on transcript NM_000302.4 (MANE Select); coding-DNA position 1482, G replaced by C.
Protein change: p.Met494Ile; replaces methionine 494 with isoleucine.
Molecular consequence: missense variant.
Genome position (GRCh38, 1-based): chr1:11,965,491, G>C. VCF-style: chr1-11965491-G-C. GRCh37 (hg19) VCF-style: chr1-12025548-G-C.
Other names: p.Met494Ile; c.1623G>C, p.Met541Ile (NM_001316320.2); short protein forms M494I, M541I.
Identifiers: ClinVar variation 663175 (VCV000663175.13), dbSNP rs780133138, ClinGen allele CA598428.

ClinVar aggregate classification (germline): Uncertain significance. Review status: criteria provided, multiple submitters, no conflicts (2 of 4 stars). 4 submissions from 4 submitters: Uncertain significance (4). Last evaluated 2025-11-05.

Conditions:
Ehlers-Danlos syndrome, kyphoscoliotic type 1 (EDSKSCL1). Also called: PLOD1-Related Kyphoscoliotic Ehlers-Danlos Syndrome; EHLERS-DANLOS SYNDROME, TYPE VIA; EHLERS-DANLOS SYNDROME, OCULAR-SCOLIOTIC TYPE; Ehlers-Danlos syndrome, hydroxylysine-deficient. Identifiers: Orphanet 1900, MedGen C0268342, MONDO:0016002, OMIM 225400. Disease mechanism: loss of function.
Familial thoracic aortic aneurysm and aortic dissection (TAAD). Also called: Thoracic aortic aneurysms and dissections. Identifiers: Orphanet 91387, MedGen C4707243, MONDO:0019625.

Allele frequency attached by ClinVar (database versions not stated): gnomAD 0.00001; TOPMed 0.00002; ExAC 0.00003; gnomAD exomes 0.00004.

Submissions (4):

Mayo Clinic Laboratories, Mayo Clinic
Classification: Uncertain significance. Last evaluated: 2025-11-05. Review status: criteria provided, single submitter. Criteria: ACMG Guidelines, 2015. Collection method: clinical testing. Allele origin: germline. Observed: 1 variant allele.

Ambry Genetics
Classification: Uncertain significance for Familial thoracic aortic aneurysm and aortic dissection. Last evaluated: 2024-04-16. Review status: criteria provided, single submitter. Criteria: Ambry Variant Classification Scheme 2023. Collection method: clinical testing. Allele origin: germline.
Comment: The p.M494I variant (also known as c.1482G>C), located in coding exon 14 of the PLOD1 gene, results from a G to C substitution at nucleotide position 1482. The methionine at codon 494 is replaced by isoleucine, an amino acid with highly similar properties. This amino acid position is conserved. In addition, the in silico prediction for this alteration is inconclusive. Since supporting evidence is limited at this time, the clinical significance of this alteration remains unclear.

Labcorp Genetics (formerly Invitae), Labcorp
Classification: Uncertain significance for Ehlers-Danlos syndrome, kyphoscoliotic type 1. Last evaluated: 2022-08-21. Review status: criteria provided, single submitter. Criteria: Invitae Variant Classification Sherloc (09022015). Collection method: clinical testing. Allele origin: germline.
Comment: This sequence change replaces methionine, which is neutral and non-polar, with isoleucine, which is neutral and non-polar, at codon 494 of the PLOD1 protein (p.Met494Ile). This variant is present in population databases (rs780133138, gnomAD 0.009%). This variant has not been reported in the literature in individuals affected with PLOD1-related conditions. ClinVar contains an entry for this variant (Variation ID: 663175). Algorithms developed to predict the effect of missense changes on protein structure and function are either unavailable or do not agree on the potential impact of this missense change (SIFT: "Deleterious"; PolyPhen-2: "Benign"; Align-GVGD: "Class C0"). In summary, the available evidence is currently insufficient to determine the role of this variant in disease. Therefore, it has been classified as a Variant of Uncertain Significance.

GeneDx
Classification: Uncertain significance. Last evaluated: 2020-11-10. Review status: criteria provided, single submitter. Criteria: GeneDx Variant Classification Process June 2021. Collection method: clinical testing. Allele origin: germline. Affected: yes.
Comment: Not observed at a significant frequency in large population cohorts (Lek et al., 2016); In silico analysis supports that this missense variant has a deleterious effect on protein structure/function; Has not been previously published as pathogenic or benign to our knowledge